The following is an entry in ClinVar:

NM_003072.5(SMARCA4):c.843C>G (p.Pro281=)

Gene: SMARCA4 (SWI/SNF related BAF chromatin remodeling complex subunit ATPase 4; plus strand). Cytogenetic location: 19p13.2.
Variant type: single nucleotide variant.
Coding change: c.843C>G on transcript NM_003072.5 (MANE Select); coding-DNA position 843, C replaced by G.
Protein change: p.Pro281=; no amino-acid change (proline 281 retained).
Molecular consequence: synonymous variant. On other transcripts: non-coding transcript variant (1).
Genome position (GRCh38, 1-based): chr19:10,986,987, C>G. VCF-style: chr19-10986987-C-G. GRCh37 (hg19) VCF-style: chr19-11097663-C-G.
Other names: c.843C>G, p.Pro281= (NM_001128844.3, NM_001128845.2, NM_001128846.2 and 6 more transcripts).
Identifiers: ClinVar variation 2682085 (VCV002682085.2), dbSNP rs1221243562, ClinGen allele CA505488820.

ClinVar aggregate classification (germline): Conflicting classifications of pathogenicity. Review status: criteria provided, conflicting classifications (1 of 4 stars). 2 submissions from 2 submitters: Uncertain significance (1); Likely benign (1). Last evaluated 2025-02-12.

Conditions:
Rhabdoid tumor predisposition syndrome 2 (RTPS2). Identifiers: Orphanet 231108, Orphanet 69077, MedGen C2750074, MONDO:0013224, OMIM 613325.

Submissions (2):

Labcorp Genetics (formerly Invitae), Labcorp
Classification: Likely benign for Rhabdoid tumor predisposition syndrome 2. Last evaluated: 2025-02-12. Review status: criteria provided, single submitter. Criteria: Invitae Variant Classification Sherloc (09022015). Collection method: clinical testing. Allele origin: germline.

Quest Diagnostics Nichols Institute San Juan Capistrano
Classification: Uncertain significance. Last evaluated: 2023-09-12. Review status: criteria provided, single submitter. Criteria: Quest Diagnostics criteria. Collection method: clinical testing. Allele origin: unknown.
Comment: To the best of our knowledge, this variant has not been reported in the published literature. It also has not been reported in large, multi-ethnic general populations (Genome Aggregation Database). Analysis of this variant using software algorithms for the prediction of the effect of nucleotide changes on splicing yielded predictions that this variant does not affect SMARCA4 mRNA splicing . Based on the available information, we are unable to determine the clinical significance of this variant.